The following is an entry in ClinVar:

ClinVar aggregate classification (germline): Uncertain significance (1 of 4 stars; one submission).

Conditions:
Hereditary cancer-predisposing syndrome. Also called: Neoplastic Syndromes, Hereditary; Hereditary Cancer Syndrome; Tumor predisposition; Hereditary neoplastic syndrome. Identifiers: Orphanet 140162, MedGen C0027672, MeSH D009386, MONDO:0015356.

Submission:

Ambry Genetics
Classification: Uncertain significance for Hereditary cancer-predisposing syndrome. Last evaluated: 2022-11-11. Review status: criteria provided, single submitter. Criteria: Ambry Variant Classification Scheme 2023. Collection method: clinical testing. Allele origin: germline.
Comment: The p.Q242L variant (also known as c.725A>T), located in coding exon 5 of the PTCH1 gene, results from an A to T substitution at nucleotide position 725. The glutamine at codon 242 is replaced by leucine, an amino acid with dissimilar properties. This amino acid position is conserved. In addition, the in silico prediction for this alteration is inconclusive. Since supporting evidence is limited at this time, the clinical significance of this alteration remains unclear.

NM_000264.5(PTCH1):c.725A>T (p.Gln242Leu)

Gene: PTCH1 (patched 1; minus strand). Cytogenetic location: 9q22.32.
Variant type: single nucleotide variant.
Coding change: c.725A>T on transcript NM_000264.5 (MANE Select); coding-DNA position 725, A replaced by T.
Protein change: p.Gln242Leu; replaces glutamine 242 with leucine.
Molecular consequence: missense variant. On other transcripts: non-coding transcript variant (1).
Genome position (GRCh38, 1-based): chr9:95,481,970, T>A on the plus strand (A>T on the coding strand, the complement: PTCH1 is on the minus strand). VCF-style: chr9-95481970-T-A. GRCh37 (hg19) VCF-style: chr9-98244252-T-A.
Other names: c.527A>T, p.Gln176Leu (NM_001083602.3, NM_001354919.2); c.722A>T, p.Gln241Leu (NM_001083603.3); c.272A>T, p.Gln91Leu (NM_001083604.3, NM_001083605.3, NM_001083606.3 and 1 more transcripts); c.725A>T, p.Gln242Leu (NM_001354918.2); short protein forms Q176L, Q241L, Q242L, Q91L.
Identifiers: ClinVar variation 2449626 (VCV002449626.2), dbSNP rs769072215, ClinGen allele CA374114831.